The following is an entry in ClinVar:

NM_000297.4(PKD2):c.1250G>A (p.Arg417Gln)

Gene: PKD2 (polycystin 2, transient receptor potential cation channel; plus strand). Cytogenetic location: 4q22.1.
Variant type: single nucleotide variant.
Coding change: c.1250G>A on transcript NM_000297.4 (MANE Select); coding-DNA position 1250, G replaced by A.
Protein change: p.Arg417Gln; replaces arginine 417 with glutamine.
Molecular consequence: missense variant. On other transcripts: non-coding transcript variant (1).
Genome position (GRCh38, 1-based): chr4:88,043,388, G>A. VCF-style: chr4-88043388-G-A. GRCh37 (hg19) VCF-style: chr4-88964540-G-A.
Other names: short protein forms R417Q.
Identifiers: ClinVar variation 907304 (VCV000907304.7), dbSNP rs142261953, ClinGen allele CA3003908.
Genomic context (GRCh38, chr4:88,043,388, plus strand): 5'-GAACAAGAGAGGAAACAGCTGCACAAGTTGCTAGCCTCAAGAAAAATGTCTGGCTGGACC[G>A]AGGAACCAGGGCAACTTTTATTGACTTCTCAGTGTACAACGCCAACATTAACCTGTTCTG-3'
Protein context (NP_000288.1, residues 407-427): ASLKKNVWLD[Arg417Gln]GTRATFIDFS

ClinVar aggregate classification (germline): Uncertain significance. Review status: criteria provided, multiple submitters, no conflicts (2 of 4 stars). 3 submissions from 3 submitters: Uncertain significance (3). Last evaluated 2026-01-06.

Conditions:
Polycystic kidney disease 2 (PKD2). Also called: Polycystic Kidney Disease 2, Autosomal Dominant; POLYCYSTIC KIDNEY DISEASE, ADULT, TYPE II; POLYCYSTIC KIDNEY DISEASE 2 WITH OR WITHOUT POLYCYSTIC LIVER DISEASE. Identifiers: MedGen C2751306, MONDO:0013131, OMIM 613095.
Autosomal dominant polycystic kidney disease. Identifiers: Orphanet 730, MedGen C0085413, MONDO:0004691.

Allele frequency attached by ClinVar (database versions not stated): TOPMed 0.00001; ExAC 0.00002; gnomAD 0.00002; gnomAD exomes 0.00002 and 0.00003; ESP Exome Variant Server 0.00015.
gnomAD v4.1: 25 of 1,613,932 alleles (0.0015%); highest among the groups gnomAD compares: African/African-American, 0.0027%; no homozygotes.

Submissions (3):

Labcorp Genetics (formerly Invitae), Labcorp
Classification: Uncertain significance for Autosomal dominant polycystic kidney disease. Last evaluated: 2026-01-06. Review status: criteria provided, single submitter. Criteria: Invitae Variant Classification Sherloc (09022015). Collection method: clinical testing. Allele origin: germline.
Comment: This sequence change replaces arginine, which is basic and polar, with glutamine, which is neutral and polar, at codon 417 of the PKD2 protein (p.Arg417Gln). This variant is present in population databases (rs142261953, gnomAD 0.008%). This variant has not been reported in the literature in individuals affected with PKD2-related conditions. ClinVar contains an entry for this variant (Variation ID: 907304). Invitae Evidence Modeling of protein sequence and biophysical properties (such as structural, functional, and spatial information, amino acid conservation, physicochemical variation, residue mobility, and thermodynamic stability) indicates that this missense variant is not expected to disrupt PKD2 protein function with a negative predictive value of 80%. In summary, the available evidence is currently insufficient to determine the role of this variant in disease. Therefore, it has been classified as a Variant of Uncertain Significance.

Fulgent Genetics
Classification: Uncertain significance for Polycystic kidney disease 2. Last evaluated: 2022-03-02. Review status: criteria provided, single submitter. Criteria: ACMG Guidelines, 2015. Collection method: clinical testing. Allele origin: unknown.

Illumina Laboratory Services, Illumina
Classification: Uncertain significance for Polycystic kidney disease 2. Last evaluated: 2018-01-13. Review status: criteria provided, single submitter. Criteria: ICSL Variant Classification Criteria 13 December 2019. Collection method: clinical testing. Allele origin: germline.